The following is an entry in ClinVar:

NM_005236.3(ERCC4):c.1948G>A (p.Asp650Asn)

Gene: ERCC4 (ERCC excision repair 4, endonuclease catalytic subunit; plus strand). Cytogenetic location: 16p13.12.
Variant type: single nucleotide variant.
Coding change: c.1948G>A on transcript NM_005236.3 (MANE Select); coding-DNA position 1948, G replaced by A.
Protein change: p.Asp650Asn; replaces aspartic acid 650 with asparagine.
Molecular consequence: missense variant.
Genome position (GRCh38, 1-based): chr16:13,944,766, G>A. VCF-style: chr16-13944766-G-A. GRCh37 (hg19) VCF-style: chr16-14038623-G-A.
Other names: short protein forms D650N.
Identifiers: ClinVar variation 3352017 (VCV003352017.1).
Genomic context (GRCh38, chr16:13,944,766, plus strand): 5'-AATGTTTTCTCCCACAGGGAAAAAGCAAGCATGGTTGTCCCTGAAGAAAGAGAAGGCAGA[G>A]ATGAAACAAACTTAGACCTAGTAAGAGGCACAGCATCTGCAGATGTTTCCACTGACACTC-3'
Protein context (NP_005227.1, residues 640-660): MVVPEEREGR[Asp650Asn]ETNLDLVRGT

ClinVar aggregate classification (germline): Uncertain significance (0 of 4 stars; one submission).

Conditions:
ERCC4-related disorder. Also called: ERCC4-related condition.

gnomAD v4.1: 18 of 1,613,986 alleles (0.0011%); highest among the groups gnomAD compares: Non-Finnish European, 0.0014%; no homozygotes.

Submission:

PreventionGenetics, part of Exact Sciences
Classification: Uncertain significance for ERCC4-related condition. Last evaluated: 2024-08-01. Review status: no assertion criteria provided. Collection method: clinical testing. Allele origin: germline.
Comment: The ERCC4 c.1948G>A variant is predicted to result in the amino acid substitution p.Asp650Asn. To our knowledge, this variant has not been reported in the literature. This variant is reported in 0.0026% of alleles in individuals of European (Non-Finnish) descent in gnomAD. At this time, the clinical significance of this variant is uncertain due to the absence of conclusive functional and genetic evidence.